The following is an entry in ClinVar:

ClinVar aggregate classification (germline): Uncertain significance (1 of 4 stars; one submission).

Allele frequency attached by ClinVar (database versions not stated): gnomAD 0.00015; gnomAD exomes 0.00016; ExAC 0.00017; TOPMed 0.00031.
gnomAD v4.1: 266 of 1,614,128 alleles (0.016%); highest among the groups gnomAD compares: Admixed American, 0.08%; 1 homozygote.

Submission:

Labcorp Genetics (formerly Invitae), Labcorp
Classification: Uncertain significance. Last evaluated: 2023-12-11. Review status: criteria provided, single submitter. Criteria: Invitae Variant Classification Sherloc (09022015). Collection method: clinical testing. Allele origin: germline.
Comment: This sequence change replaces valine, which is neutral and non-polar, with isoleucine, which is neutral and non-polar, at codon 234 of the RSPO2 protein (p.Val234Ile). This variant is present in population databases (rs761237646, gnomAD 0.08%). This variant has not been reported in the literature in individuals affected with RSPO2-related conditions. ClinVar contains an entry for this variant (Variation ID: 2067591). An algorithm developed to predict the effect of missense changes on protein structure and function (PolyPhen-2) suggests that this variant¬†is likely to be tolerated. In summary, the available evidence is currently insufficient to determine the role of this variant in disease. Therefore, it has been classified as a Variant of Uncertain Significance.

NM_178565.5(RSPO2):c.700G>A (p.Val234Ile)

Gene: RSPO2 (R-spondin 2; minus strand). Cytogenetic location: 8q23.1.
Variant type: single nucleotide variant.
Coding change: c.700G>A on transcript NM_178565.5 (MANE Select); coding-DNA position 700, G replaced by A.
Protein change: p.Val234Ile; replaces valine 234 with isoleucine.
Molecular consequence: missense variant.
Genome position (GRCh38, 1-based): chr8:107,901,107, C>T on the plus strand (G>A on the coding strand, the complement: RSPO2 is on the minus strand). VCF-style: chr8-107901107-C-T. GRCh37 (hg19) VCF-style: chr8-108913335-C-T.
Other names: c.508G>A, p.Val170Ile (NM_001282863.2); c.499G>A, p.Val167Ile (NM_001317942.2); short protein forms V167I, V170I, V234I.
Identifiers: ClinVar variation 2067591 (VCV002067591.2), dbSNP rs761237646, ClinGen allele CA4841495.